The following is an entry in ClinVar:

ClinVar aggregate classification (germline): Uncertain significance (1 of 4 stars; one submission).

gnomAD v4.1: 1 of 1,613,064 alleles (0.000062%); highest among the groups gnomAD compares: Non-Finnish European, 0.000085%; no homozygotes.

Submission:

Women's Health and Genetics/Laboratory Corporation of America, LabCorp
Classification: Uncertain significance. Last evaluated: 2025-07-29. Review status: criteria provided, single submitter. Criteria: LabCorp Variant Classification Summary - May 2015. Collection method: clinical testing. Allele origin: germline.
Comment: Variant summary: LIPA c.428G>A (p.Ser143Asn) results in a conservative amino acid change in the encoded protein sequence. Algorithms developed to predict the effect of missense changes on protein structure and function are either unavailable or do not agree on the potential impact of this missense change. Several computational tools predict a significant impact on normal splicing: Three predict the variant abolishes a 5' splicing donor site. One predict the variant weakens a 5' donor site. However, these predictions have yet to be confirmed by functional studies. The variant was absent in 251156 control chromosomes. The available data on variant occurrences in the general population are insufficient to allow any conclusion about variant significance. To our knowledge, no occurrence of c.428G>A in individuals affected with Cholesteryl ester storage disease and no experimental evidence demonstrating its impact on protein function have been reported. No submitters have cited clinical-significance assessments for this variant to ClinVar. Based on the evidence outlined above, the variant was classified as uncertain significance.

NM_000235.4(LIPA):c.428G>A (p.Ser143Asn)

Gene: LIPA (lipase A, lysosomal acid type; minus strand). Cytogenetic location: 10q23.31.
Variant type: single nucleotide variant.
Coding change: c.428G>A on transcript NM_000235.4 (MANE Select); coding-DNA position 428, G replaced by A.
Protein change: p.Ser143Asn; replaces serine 143 with asparagine.
Molecular consequence: missense variant.
Genome position (GRCh38, 1-based): chr10:89,228,200, C>T on the plus strand (G>A on the coding strand, the complement: LIPA is on the minus strand). VCF-style: chr10-89228200-C-T. GRCh37 (hg19) VCF-style: chr10-90987957-C-T.
Other names: c.428G>A, p.Ser143Asn (NM_001127605.3, NM_001440818.1, NM_001440819.1 and 16 more transcripts); c.80G>A, p.Ser27Asn (NM_001288979.2); c.560G>A, p.Ser187Asn (NM_001440836.1); c.428G>A, p.Arg143Lys (NM_001440837.1); c.443G>A, p.Ser148Asn (NM_001440838.1); c.260G>A, p.Ser87Asn (NM_001440839.1); short protein forms S87N, R143K, S143N, S187N, S148N, S27N.
Identifiers: ClinVar variation 4526139 (VCV004526139.1).